The following is an entry in ClinVar:

NM_012472.6(DNAAF11):c.644A>G (p.Asn215Ser)

Gene: DNAAF11 (dynein axonemal assembly factor 11; minus strand). Cytogenetic location: 8q24.22.
Variant type: single nucleotide variant.
Coding change: c.644A>G on transcript NM_012472.6 (MANE Select); coding-DNA position 644, A replaced by G.
Protein change: p.Asn215Ser; replaces asparagine 215 with serine.
Molecular consequence: missense variant. On other transcripts: non-coding transcript variant (1).
Genome position (GRCh38, 1-based): chr8:132,632,749, T>C on the plus strand (A>G on the coding strand, the complement: DNAAF11 is on the minus strand). VCF-style: chr8-132632749-T-C. GRCh37 (hg19) VCF-style: chr8-133644995-T-C.
Other names: c.644A>G, p.Asn215Ser (NM_001321961.2); c.398A>G, p.Asn133Ser (NM_001321962.2); c.284A>G, p.Asn95Ser (NM_001321963.2, NM_001321964.2, NM_001321965.2 and 1 more transcripts); short protein forms N215S, N95S, N133S.
Identifiers: ClinVar variation 582972 (VCV000582972.7), dbSNP rs143717300, ClinGen allele CA4881340.

ClinVar aggregate classification (germline): Conflicting classifications of pathogenicity. Review status: criteria provided, conflicting classifications (1 of 4 stars). 3 submissions from 3 submitters: Uncertain significance (1); Likely benign (2). Last evaluated 2024-08-09.

Conditions:
Primary ciliary dyskinesia 19. Also called: CILIARY DYSKINESIA, PRIMARY, 19, WITH OR WITHOUT SITUS INVERSUS. Identifiers: Orphanet 244, MedGen C3543826, MONDO:0013979, OMIM 614935.
Primary ciliary dyskinesia. Also called: Ciliary dyskinesia. Identifiers: Orphanet 244, MedGen C0008780, MONDO:0016575, HP:0012265.

Allele frequency attached by ClinVar (database versions not stated): ExAC 0.00009; gnomAD exomes 0.00013 and 0.00037; TOPMed 0.00019; gnomAD 0.00023 and 0.00024; ESP Exome Variant Server 0.00038.
gnomAD v4.1: 567 of 1,608,812 alleles (0.035%); highest among the groups gnomAD compares: Non-Finnish European, 0.046%; 1 homozygote.

Submissions (3):

Blueprint Genetics
Classification: Likely benign. Last evaluated: 2024-08-09. Review status: criteria provided, single submitter. Criteria: ACMG Guidelines, 2015. Collection method: clinical testing. Allele origin: germline.

Labcorp Genetics (formerly Invitae), Labcorp
Classification: Uncertain significance for Primary ciliary dyskinesia 19. Last evaluated: 2022-08-23. Review status: criteria provided, single submitter. Criteria: Invitae Variant Classification Sherloc (09022015). Collection method: clinical testing. Allele origin: germline.
Comment: This sequence change replaces asparagine, which is neutral and polar, with serine, which is neutral and polar, at codon 215 of the LRRC6 protein (p.Asn215Ser). This variant is present in population databases (rs143717300, gnomAD 0.03%). This variant has not been reported in the literature in individuals affected with LRRC6-related conditions. ClinVar contains an entry for this variant (Variation ID: 582972). Algorithms developed to predict the effect of missense changes on protein structure and function output the following: SIFT: "Tolerated"; PolyPhen-2: "Benign"; Align-GVGD: "Class C0". The serine amino acid residue is found in multiple mammalian species, which suggests that this missense change does not adversely affect protein function. In summary, the available evidence is currently insufficient to determine the role of this variant in disease. Therefore, it has been classified as a Variant of Uncertain Significance.

Ambry Genetics
Classification: Likely benign for Primary ciliary dyskinesia. Last evaluated: 2022-04-09. Review status: criteria provided, single submitter. Criteria: Ambry Variant Classification Scheme 2023. Collection method: clinical testing. Allele origin: germline.